The following is an entry in ClinVar:

ClinVar aggregate classification (germline): Uncertain significance (1 of 4 stars; one submission).

Submission:

Labcorp Genetics (formerly Invitae), Labcorp
Classification: Uncertain significance. Last evaluated: 2022-08-22. Review status: criteria provided, single submitter. Criteria: Invitae Variant Classification Sherloc (09022015). Collection method: clinical testing. Allele origin: germline.
Comment: In summary, the available evidence is currently insufficient to determine the role of this variant in disease. Therefore, it has been classified as a Variant of Uncertain Significance. Algorithms developed to predict the effect of missense changes on protein structure and function are either unavailable or do not agree on the potential impact of this missense change (SIFT: "Deleterious"; PolyPhen-2: "Possibly Damaging"; Align-GVGD: "Class C0"). This variant has not been reported in the literature in individuals affected with ROM1-related conditions. This variant is not present in population databases (gnomAD no frequency). This sequence change replaces leucine, which is neutral and non-polar, with methionine, which is neutral and non-polar, at codon 315 of the ROM1 protein (p.Leu315Met).

NM_000327.4(ROM1):c.943C>A (p.Leu315Met)

Gene: ROM1 (retinal outer segment membrane protein 1; plus strand). Cytogenetic location: 11q12.3.
Variant type: single nucleotide variant.
Coding change: c.943C>A on transcript NM_000327.4 (MANE Select); coding-DNA position 943, C replaced by A.
Protein change: p.Leu315Met; replaces leucine 315 with methionine.
Molecular consequence: missense variant.
Genome position (GRCh38, 1-based): chr11:62,614,726, C>A. VCF-style: chr11-62614726-C-A. GRCh37 (hg19) VCF-style: chr11-62382198-C-A.
Other names: short protein forms L315M.
Identifiers: ClinVar variation 2118472 (VCV002118472.4), dbSNP rs2496227923, ClinGen allele CA380973079.